The following is an entry in ClinVar:

NM_004933.3(CDH15):c.1420C>T (p.Leu474=)

Gene: CDH15 (cadherin 15; plus strand). Cytogenetic location: 16q24.3.
Variant type: single nucleotide variant.
Coding change: c.1420C>T on transcript NM_004933.3 (MANE Select); coding-DNA position 1420, C replaced by T.
Protein change: p.Leu474=; no amino-acid change (leucine 474 retained).
Molecular consequence: synonymous variant.
Genome position (GRCh38, 1-based): chr16:89,191,699, C>T. VCF-style: chr16-89191699-C-T. GRCh37 (hg19) VCF-style: chr16-89258107-C-T.
Identifiers: ClinVar variation 3341609 (VCV003341609.16).

ClinVar aggregate classification (germline): Likely benign (1 of 4 stars; one submission).

gnomAD v4.1: 96 of 1,602,828 alleles (0.006%); highest among the groups gnomAD compares: Non-Finnish European, 0.007%; no homozygotes.

Submission:

CeGaT Center for Human Genetics Tuebingen
Classification: Likely benign. Last evaluated: 2024-10-01. Review status: criteria provided, single submitter. Criteria: CeGaT Center For Human Genetics Tuebingen Variant Classification Criteria Version 2. Collection method: clinical testing. Allele origin: germline. Affected: yes. Observed: 2 variant alleles.
Comment: CDH15: BP4, BP7